The following is an entry in ClinVar:

ClinVar aggregate classification (germline): Uncertain significance (1 of 4 stars; one submission).

Conditions:
Hereditary cancer-predisposing syndrome. Also called: Hereditary Cancer Syndrome; Hereditary neoplastic syndrome; Neoplastic Syndromes, Hereditary; Tumor predisposition. Identifiers: Orphanet 140162, MedGen C0027672, MeSH D009386, MONDO:0015356.

Submission:

Ambry Genetics
Classification: Uncertain significance for Hereditary cancer-predisposing syndrome. Last evaluated: 2026-07-30. Review status: criteria provided, single submitter. Criteria: Ambry Variant Classification Scheme 2023. Collection method: clinical testing. Allele origin: germline.
Comment: The p.C610F variant (also known as c.1829G>T), located in coding exon 5 of the MET gene, results from a G to T substitution at nucleotide position 1829. The cysteine at codon 610 is replaced by phenylalanine, an amino acid with highly dissimilar properties. This amino acid position is highly conserved in available vertebrate species. In addition, this alteration is predicted to be deleterious by in silico analysis. Based on the available evidence, the clinical significance of this variant remains unclear.

NM_000245.4(MET):c.1829G>T (p.Cys610Phe)

Gene: MET (MET proto-oncogene, receptor tyrosine kinase; plus strand). Cytogenetic location: 7q31.2.
Variant type: single nucleotide variant.
Coding change: c.1829G>T on transcript NM_000245.4 (MANE Select); coding-DNA position 1829, G replaced by T.
Protein change: p.Cys610Phe; replaces cysteine 610 with phenylalanine.
Molecular consequence: missense variant.
Genome position (GRCh38, 1-based): chr7:116,755,482, G>T. VCF-style: chr7-116755482-G-T. GRCh37 (hg19) VCF-style: chr7-116395536-G-T.
Other names: c.1829G>T, p.Cys610Phe (NM_001127500.3, NM_001324401.3); c.539G>T, p.Cys180Phe (NM_001324402.2); short protein forms C180F, C610F.
Identifiers: ClinVar variation 4648071 (VCV004648071.2).
Genomic context (GRCh38, chr7:116,755,482, plus strand): 5'-TTCGGAGGAATAATAAATTTGATTTAAAGAAAACTAGAGTTCTCCTTGGAAATGAGAGCT[G>T]CACCTTGACTTTAAGTGAGAGCACGATGAATACGTAAGGATCTTAAAATGCTTTGCTGGG-3'
Protein context (NP_000236.2, residues 600-620): KTRVLLGNES[Cys610Phe]TLTLSESTMN